The following is an entry in ClinVar:

ClinVar aggregate classification (germline): Likely benign. Review status: criteria provided, multiple submitters, no conflicts (2 of 4 stars). 3 submissions from 3 submitters: Likely benign (2). 1 of the submissions does not count toward it. Last evaluated 2025-12-09.

Conditions:
NBEAL2-related disorder. Also called: NBEAL2-related condition.

Allele frequency attached by ClinVar (database versions not stated): gnomAD exomes 0.00011 and 0.00023; ExAC 0.00029; gnomAD 0.00068 and 0.00075; TOPMed 0.00073; ESP Exome Variant Server 0.00078; 1000 Genomes Project 0.00100; 1000 Genomes Project 30x 0.00141.
gnomAD v4.1: 261 of 1,612,822 alleles (0.016%); highest among the groups gnomAD compares: African/African-American, 0.23%; 1 homozygote.

Submissions (3):

Labcorp Genetics (formerly Invitae), Labcorp
Classification: Likely benign. Last evaluated: 2025-12-09. Review status: criteria provided, single submitter. Criteria: Invitae Variant Classification Sherloc (09022015). Collection method: clinical testing. Allele origin: germline.

Blueprint Genetics
Classification: Likely benign. Last evaluated: 2024-06-24. Review status: criteria provided, single submitter. Criteria: ACMG Guidelines, 2015. Collection method: clinical testing. Allele origin: germline.

PreventionGenetics, part of Exact Sciences
Classification: Likely benign for NBEAL2-related condition. Last evaluated: 2023-05-26. Review status: no assertion criteria provided. Collection method: clinical testing. Allele origin: germline. Not counted in ClinVar's aggregate classification.
Comment: This variant is classified as likely benign based on ACMG/AMP sequence variant interpretation guidelines (Richards et al. 2015 PMID: 25741868, with internal and published modifications).

NM_015175.3(NBEAL2):c.7589G>A (p.Arg2530Gln)

Gene: NBEAL2 (neurobeachin like 2; plus strand). Cytogenetic location: 3p21.31.
Variant type: single nucleotide variant.
Coding change: c.7589G>A on transcript NM_015175.3 (MANE Select); coding-DNA position 7589, G replaced by A.
Protein change: p.Arg2530Gln; replaces arginine 2530 with glutamine.
Molecular consequence: missense variant.
Genome position (GRCh38, 1-based): chr3:47,007,897, G>A. VCF-style: chr3-47007897-G-A. GRCh37 (hg19) VCF-style: chr3-47049387-G-A.
Other names: c.7487G>A, p.Arg2496Gln (NM_001365116.2); short protein forms R2496Q, R2530Q.
Identifiers: ClinVar variation 721815 (VCV000721815.8), dbSNP rs116247493, ClinGen allele CA2362195.